The following is an entry in ClinVar:

NM_017755.6(NSUN2):c.736A>G (p.Ile246Val)

Gene: NSUN2 (NOP2/Sun RNA methyltransferase 2; minus strand). Cytogenetic location: 5p15.31.
Variant type: single nucleotide variant.
Coding change: c.736A>G on transcript NM_017755.6 (MANE Select); coding-DNA position 736, A replaced by G.
Protein change: p.Ile246Val; replaces isoleucine 246 with valine.
Molecular consequence: missense variant. On other transcripts: non-coding transcript variant (1).
Genome position (GRCh38, 1-based): chr5:6,620,185, T>C on the plus strand (A>G on the coding strand, the complement: NSUN2 is on the minus strand). VCF-style: chr5-6620185-T-C. GRCh37 (hg19) VCF-style: chr5-6620298-T-C.
Other names: c.631A>G, p.Ile211Val (NM_001193455.2); c.736A>G (NM_017755.5); short protein forms I246V, I211V.
Identifiers: ClinVar variation 1522017 (VCV001522017.7), dbSNP rs370852216, ClinGen allele CA3192683.
Genomic context (GRCh38, chr5:6,620,185, plus strand): 5'-AAATTCGATCATAGAAGAGGATCTCTTTCCTGCCGTCCACATCTATCTGGAGCCTGGGTA[T>C]GCTGGAGGCATCATGGTTGACCACCATGATGCAGGGGCTGCTCAGCCTCTTGGCTTGATG-3'
Protein context (NP_060225.4, residues 236-256): IMVVNHDASS[Ile246Val]PRLQIDVDGR

ClinVar aggregate classification (germline): Uncertain significance. Review status: criteria provided, multiple submitters, no conflicts (2 of 4 stars). 3 submissions from 3 submitters: Uncertain significance (3). Last evaluated 2026-01-15.

Conditions:
Inborn genetic diseases. Identifiers: MedGen C0950123, MeSH D030342.

Allele frequency attached by ClinVar (database versions not stated): gnomAD 0.00004 and 0.00005; TOPMed 0.00004; gnomAD exomes 0.00005; ESP Exome Variant Server 0.00008.
gnomAD v4.1: 79 of 1,613,250 alleles (0.0049%); highest among the groups gnomAD compares: Middle Eastern, 0.016%; no homozygotes.

Submissions (3):

Labcorp Genetics (formerly Invitae), Labcorp
Classification: Uncertain significance. Last evaluated: 2026-01-15. Review status: criteria provided, single submitter. Criteria: Invitae Variant Classification Sherloc (09022015). Collection method: clinical testing. Allele origin: germline.
Comment: This sequence change replaces isoleucine, which is neutral and non-polar, with valine, which is neutral and non-polar, at codon 246 of the NSUN2 protein (p.Ile246Val). This variant is present in population databases (rs370852216, gnomAD 0.009%). This variant has not been reported in the literature in individuals affected with NSUN2-related conditions. ClinVar contains an entry for this variant (Variation ID: 1522017). Invitae Evidence Modeling of protein sequence and biophysical properties (such as structural, functional, and spatial information, amino acid conservation, physicochemical variation, residue mobility, and thermodynamic stability) indicates that this missense variant is expected to disrupt NSUN2 protein function with a positive predictive value of 80%. In summary, the available evidence is currently insufficient to determine the role of this variant in disease. Therefore, it has been classified as a Variant of Uncertain Significance.

Blueprint Genetics
Classification: Uncertain significance. Last evaluated: 2024-06-17. Review status: criteria provided, single submitter. Criteria: ACMG Guidelines, 2015. Collection method: clinical testing. Allele origin: germline.

Ambry Genetics
Classification: Uncertain significance for Inborn genetic diseases. Last evaluated: 2021-03-23. Review status: criteria provided, single submitter. Criteria: Ambry Variant Classification Scheme 2023. Collection method: clinical testing. Allele origin: germline.
Comment: The c.736A>G (p.I246V) alteration is located in exon 7 (coding exon 7) of the NSUN2 gene. This alteration results from a A to G substitution at nucleotide position 736, causing the isoleucine (I) at amino acid position 246 to be replaced by a valine (V). The p.I246V alteration is predicted to be tolerated by in silico analysis. Based on insufficient or conflicting evidence, the clinical significance of this alteration remains unclear.